The following is an entry in ClinVar:

NM_032444.4(SLX4):c.4494G>A (p.Leu1498=)

Gene: SLX4 (SLX4 structure-specific endonuclease subunit; minus strand). Cytogenetic location: 16p13.3.
Variant type: single nucleotide variant.
Coding change: c.4494G>A on transcript NM_032444.4 (MANE Select); coding-DNA position 4494, G replaced by A.
Protein change: p.Leu1498=; no amino-acid change (leucine 1498 retained).
Molecular consequence: synonymous variant.
Genome position (GRCh38, 1-based): chr16:3,589,144, C>T on the plus strand (G>A on the coding strand, the complement: SLX4 is on the minus strand). VCF-style: chr16-3589144-C-T. GRCh37 (hg19) VCF-style: chr16-3639145-C-T.
Other names: c.4494G>A (LRG_503t1).
Identifiers: ClinVar variation 319152 (VCV000319152.46), dbSNP rs146532299, ClinGen allele CA7865622.

ClinVar aggregate classification (germline): Conflicting classifications of pathogenicity. Review status: criteria provided, conflicting classifications (1 of 4 stars). 8 submissions from 8 submitters: Uncertain significance (2); Benign (1); Likely benign (3). 2 of the submissions do not count toward it. Last evaluated 2026-01-09.

Conditions:
Fanconi anemia complementation group P. Also called: SLX4-Related Fanconi Anemia. Identifiers: Orphanet 84, MedGen C3469542, MONDO:0013499, OMIM 613951.
Fanconi anemia (FA). Also called: Fanconi's anemia. Identifiers: Orphanet 84, MedGen C0015625, MeSH D005199, MONDO:0019391.

Allele frequency attached by ClinVar (database versions not stated): 1000 Genomes Project 30x 0.00016; 1000 Genomes Project 0.00020; gnomAD 0.00041 and 0.00042; gnomAD exomes 0.00041; ExAC 0.00042; TOPMed 0.00045; ESP Exome Variant Server 0.00046.
gnomAD v4.1: 772 of 1,614,142 alleles (0.048%); highest among the groups gnomAD compares: Non-Finnish European, 0.053%; 1 homozygote.

Submissions (8):

Labcorp Genetics (formerly Invitae), Labcorp
Classification: Likely benign for Fanconi anemia. Last evaluated: 2026-01-09. Review status: criteria provided, single submitter. Criteria: Invitae Variant Classification Sherloc (09022015). Collection method: clinical testing. Allele origin: germline.

CeGaT Center for Human Genetics Tuebingen
Classification: Likely benign. Last evaluated: 2025-10-01. Review status: criteria provided, single submitter. Criteria: CeGaT Center For Human Genetics Tuebingen Variant Classification Criteria Version 2. Collection method: clinical testing. Allele origin: germline. Affected: yes. Observed: 8 variant alleles.
Comment: SLX4: BP4, BP7

Blueprint Genetics
Classification: Likely benign. Last evaluated: 2024-11-26. Review status: criteria provided, single submitter. Criteria: ACMG Guidelines, 2015. Collection method: clinical testing. Allele origin: germline.

Sema4
Classification: Uncertain significance for Fanconi anemia. Last evaluated: 2021-08-02. Review status: criteria provided, single submitter. Criteria: Sema4 Curation Guidelines. Collection method: curation. Allele origin: germline.
Comment: The SLX4 c.4494G>A (p.L1498=) variant has not been reported in the literature to our knowledge. It was observed in 10/10362 chromosomes of the Ashkenazi Jewish subpopulation, with no homozygotes, in the large and broad cohorts of the Genome Aggregation Database (PMID: 32461654) and has been reported in ClinVar (Variation ID 319152). In silico tools suggest the variant may have an impact on splicing, though these predictions have not been confirmed by functional studies. The evidence is insufficient to meet ACMG/AMP criteria for classifying the variant as benign or pathogenic. Thus, the clinical significance of this variant is currently uncertain.

Genetic Services Laboratory, University of Chicago
Classification: Benign. Last evaluated: 2021-04-08. Review status: criteria provided, single submitter. Criteria: ACMG Guidelines, 2015. Collection method: clinical testing. Allele origin: germline. Affected: no.

Illumina Laboratory Services, Illumina
Classification: Uncertain significance for Fanconi anemia complementation group P. Last evaluated: 2018-01-12. Review status: criteria provided, single submitter. Criteria: ICSL Variant Classification Criteria 13 December 2019. Collection method: clinical testing. Allele origin: germline.

Clinical Genetics DNA and cytogenetics Diagnostics Lab, Erasmus MC, Erasmus Medical Center
Classification: Likely benign. Review status: no assertion criteria provided. Collection method: clinical testing. Allele origin: germline. Affected: yes. Study: VKGL Data-share Consensus. Not counted in ClinVar's aggregate classification.

Joint Genome Diagnostic Labs from Nijmegen and Maastricht, Radboudumc and MUMC+
Classification: Likely benign. Review status: no assertion criteria provided. Collection method: clinical testing. Allele origin: germline. Affected: yes. Study: VKGL Data-share Consensus. Not counted in ClinVar's aggregate classification.